The following is an entry in ClinVar:

ClinVar aggregate classification (germline): Pathogenic (1 of 4 stars; one submission).

Submission:

Labcorp Genetics (formerly Invitae), Labcorp
Classification: Pathogenic. Last evaluated: 2025-10-02. Review status: criteria provided, single submitter. Criteria: Invitae Variant Classification Sherloc (09022015). Collection method: clinical testing. Allele origin: germline.
Comment: This sequence change creates a premature translational stop signal (p.Gly2174Argfs*38) in the CPLANE1 gene. It is expected to result in an absent or disrupted protein product. Loss-of-function variants in CPLANE1 are known to be pathogenic (PMID: 24178751, 26092869). This variant is not present in population databases (gnomAD no frequency). This variant has not been reported in the literature in individuals affected with CPLANE1-related conditions. ClinVar contains an entry for this variant (Variation ID: 1918296). For these reasons, this variant has been classified as Pathogenic.

Literature cited by the submitters: PubMed 24178751; PubMed 26092869.

NM_001384732.1(CPLANE1):c.6519dup (p.Gly2174fs)

Gene: CPLANE1 (ciliogenesis and planar polarity effector complex subunit 1; minus strand). Cytogenetic location: 5p13.2.
Variant type: Duplication.
Coding change: c.6519dup on transcript NM_001384732.1 (MANE Select); coding-DNA position 6519, one base duplicated (A; older notation c.6519dupA).
Protein change: p.Gly2174fs; shifts the reading frame from glycine 2174.
Molecular consequence: frameshift variant.
Genome position (GRCh38, 1-based): chr5:37,169,505, T duplicated on the plus strand (A on the coding strand, the reverse complement: CPLANE1 is on the minus strand); the first of 6 consecutive T bases (chr5:37,169,505-37,169,510); duplicating any one gives the same sequence. VCF-style (leftmost placement, unchanged base first): chr5-37169504-C-CT. GRCh37 (hg19) VCF-style: chr5-37169606-C-CT.
Other names: c.6519dup, p.Gly2174fs (NM_023073.4); short protein forms G2174fs.
Identifiers: ClinVar variation 1918296 (VCV001918296.5), dbSNP rs2547580186, ClinGen allele CA2580073241.